The following is an entry in ClinVar:

ClinVar aggregate classification (germline): Pathogenic (1 of 4 stars; one submission).

Conditions:
Band heterotopia of brain. Also called: Band heterotopia. Identifiers: MedGen C4284594, MONDO:0010873, OMIM 600348.

Submission:

Baylor Genetics
Classification: Pathogenic for Band heterotopia of brain. Last evaluated: 2018-03-01. Review status: criteria provided, single submitter. Criteria: ACMG Guidelines, 2015. Collection method: clinical testing. Allele origin: unknown. Affected: yes.
Comment: This variant was determined to be pathogenic according to ACMG Guidelines, 2015 [PMID:25741868].

NM_004434.3(EML1):c.1820+1G>C

Gene: EML1 (EMAP like 1; plus strand). Cytogenetic location: 14q32.2.
Variant type: single nucleotide variant.
Coding change: c.1820+1G>C on transcript NM_004434.3 (MANE Select); the canonical splice donor site of the intron after coding-DNA position 1820, G replaced by C.
Molecular consequence: splice donor variant.
Genome position (GRCh38, 1-based): chr14:99,917,850, G>C. VCF-style: chr14-99917850-G-C. GRCh37 (hg19) VCF-style: chr14-100384187-G-C.
Other names: c.1781+1G>C (NM_001375411.1); c.1877+1G>C (NM_001008707.2); c.1688+1G>C (NM_001375412.1).
Identifiers: ClinVar variation 1031421 (VCV001031421.1), dbSNP rs2060059941, ClinGen allele CA390962195.
Genomic context (GRCh38, chr14:99,917,850, plus strand): 5'-TCAGTCTTCTGGTTTTCATCCTTCAGGGTCTGTGGTTGCAGTCGGAACACTCACTGGGAG[G>C]TAAGTCCATGCCAACAGCGCTTGTGCTTGCAAAGCTTATGGAAAAGAGGCCTGTTGTTTC-3'